The following is an entry in ClinVar:

NM_002485.5(NBN):c.133C>T (p.His45Tyr)

Gene: NBN (nibrin; minus strand). Cytogenetic location: 8q21.3.
Variant type: single nucleotide variant.
Coding change: c.133C>T on transcript NM_002485.5 (MANE Select); coding-DNA position 133, C replaced by T.
Protein change: p.His45Tyr; replaces histidine 45 with tyrosine.
Molecular consequence: missense variant. On other transcripts: 5 prime UTR variant (1).
Genome position (GRCh38, 1-based): chr8:89,982,760, G>A on the plus strand (C>T on the coding strand, the complement: NBN is on the minus strand). VCF-style: chr8-89982760-G-A. GRCh37 (hg19) VCF-style: chr8-90994988-G-A.
Other names: c.-164C>T (NM_001024688.3); short protein forms H45Y.
Identifiers: ClinVar variation 1692680 (VCV001692680.5), dbSNP rs773865323, ClinGen allele CA4803052.
Genomic context (GRCh38, chr8:89,982,760, plus strand): 5'-TGAAATAAAATTAGTAACATACCAGGTTGGTTACAGAAAAGTTAGCAGTTAACACAGCAT[G>A]ATTTCGGCTGATCGACTGATCATTTTCAATCAGAATGGCACAGTTTTTCCTTCCAACAAC-3'
Protein context (NP_002476.2, residues 35-55): IENDQSISRN[His45Tyr]AVLTANFSVT

ClinVar aggregate classification (germline): Uncertain significance. Review status: criteria provided, multiple submitters, no conflicts (2 of 4 stars). 3 submissions from 3 submitters: Uncertain significance (3). Last evaluated 2024-08-21.

Conditions:
Hereditary cancer-predisposing syndrome. Also called: Neoplastic Syndromes, Hereditary; Hereditary Cancer Syndrome; Tumor predisposition; Hereditary neoplastic syndrome. Identifiers: Orphanet 140162, MedGen C0027672, MeSH D009386, MONDO:0015356.
Microcephaly, normal intelligence and immunodeficiency (NBS). Also called: Nijmegen breakage syndrome; Microcephaly with normal intelligence immunodeficiency and lymphoreticular malignancies; Nonsyndromal microcephaly autosomal recessive with normal intelligence; Seemanova syndrome 2; SEEMANOVA SYNDROME II; Immunodeficiency, microcephaly with normal intelligence. Identifiers: Orphanet 647, MedGen C0398791, MONDO:0009623, OMIM 251260.

Allele frequency attached by ClinVar (database versions not stated): gnomAD exomes below 0.00001; ExAC 0.00001.

Submissions (3):

Ambry Genetics
Classification: Uncertain significance for Hereditary cancer-predisposing syndrome. Last evaluated: 2024-08-21. Review status: criteria provided, single submitter. Criteria: Ambry Variant Classification Scheme 2023. Collection method: clinical testing. Allele origin: germline.
Comment: The p.H45Y variant (also known as c.133C>T), located in coding exon 2 of the NBN gene, results from a C to T substitution at nucleotide position 133. The histidine at codon 45 is replaced by tyrosine, an amino acid with similar properties. This variant was observed in 1/7051 unselected female breast cancer patients and was not observed in 11241 female controls of Japanese ancestry (Momozawa Y et al. Nat Commun, 2018 Oct;9:4083). This variant was also detected in a cohort of 236 female breast cancer patients from India (Mittal A et al. Ecancermedicalscience, 2022 Aug;16:1434). This amino acid position is highly conserved in available vertebrate species. In addition, this alteration is predicted to be deleterious by in silico analysis. Based on the available evidence, the clinical significance of this variant remains unclear.

Labcorp Genetics (formerly Invitae), Labcorp
Classification: Uncertain significance for Microcephaly, normal intelligence and immunodeficiency. Last evaluated: 2022-09-26. Review status: criteria provided, single submitter. Criteria: Invitae Variant Classification Sherloc (09022015). Collection method: clinical testing. Allele origin: germline.
Comment: This variant is not present in population databases (gnomAD no frequency). In summary, the available evidence is currently insufficient to determine the role of this variant in disease. Therefore, it has been classified as a Variant of Uncertain Significance. Algorithms developed to predict the effect of missense changes on protein structure and function are either unavailable or do not agree on the potential impact of this missense change (SIFT: "Deleterious"; PolyPhen-2: "Probably Damaging"; Align-GVGD: "Class C0"). ClinVar contains an entry for this variant (Variation ID: 1692680). This missense change has been observed in individual(s) with breast cancer (PMID: 30287823). This sequence change replaces histidine, which is basic and polar, with tyrosine, which is neutral and polar, at codon 45 of the NBN protein (p.His45Tyr).

Sema4
Classification: Uncertain significance for Hereditary cancer-predisposing syndrome. Last evaluated: 2022-03-08. Review status: criteria provided, single submitter. Criteria: Sema4 Curation Guidelines. Collection method: curation. Allele origin: germline.
Comment: The NBN c.133C>T (p.H45Y) variant has been reported in heterozygosity in at least one individual with breast cancer (PMID: 30287823). It is not observed in the large and broad cohorts of the Genome Aggregation Database (PMID: 32461654) and has not been reported in ClinVar. In silico tools suggest that the impact of the variant on protein function is deleterious, though these predictions have not been confirmed by functional studies. The evidence is insufficient to meet ACMG/AMP criteria for classifying the variant as benign or pathogenic. Thus, the clinical significance of this variant is currently uncertain.

Literature cited by the submitters: PubMed 30287823 (cited by 3 submitters); PubMed 36200007 (cited by Ambry Genetics).